The following is an entry in ClinVar:

NM_181882.3(PRX):c.2804A>C (p.Lys935Thr)

Gene: PRX (periaxin; minus strand). Cytogenetic location: 19q13.2.
Variant type: single nucleotide variant.
Coding change: c.2804A>C on transcript NM_181882.3 (MANE Select); coding-DNA position 2804, A replaced by C.
Protein change: p.Lys935Thr; replaces lysine 935 with threonine.
Molecular consequence: missense variant. On other transcripts: 3 prime UTR variant (1).
Genome position (GRCh38, 1-based): chr19:40,395,548, T>G on the plus strand (A>C on the coding strand, the complement: PRX is on the minus strand). VCF-style: chr19-40395548-T-G. GRCh37 (hg19) VCF-style: chr19-40901455-T-G.
Other names: c.*3009A>C (NM_020956.2); short protein forms K935T.
Identifiers: ClinVar variation 940422 (VCV000940422.32), dbSNP rs1179595016, ClinGen allele CA405895545.

ClinVar aggregate classification (germline): Conflicting classifications of pathogenicity. Review status: criteria provided, conflicting classifications (1 of 4 stars). 3 submissions from 3 submitters: Uncertain significance (2); Likely benign (1). Last evaluated 2023-12-04.

Conditions:
Charcot-Marie-Tooth disease type 4. Also called: Charcot-Marie-Tooth disease, type IV; Charcot-Marie-Tooth, Type 4. Identifiers: Orphanet 64749, MedGen C4082197, MONDO:0018995.

Allele frequency attached by ClinVar (database versions not stated): gnomAD exomes below 0.00001; gnomAD 0.00001; TOPMed 0.00001.
gnomAD v4.1: 6 of 1,614,024 alleles (0.00037%); highest among the groups gnomAD compares: Non-Finnish European, 0.00051%; no homozygotes.

Submissions (3):

Labcorp Genetics (formerly Invitae), Labcorp
Classification: Uncertain significance for Charcot-Marie-Tooth disease type 4. Last evaluated: 2023-12-04. Review status: criteria provided, single submitter. Criteria: Invitae Variant Classification Sherloc (09022015). Collection method: clinical testing. Allele origin: germline.
Comment: This sequence change replaces lysine, which is basic and polar, with threonine, which is neutral and polar, at codon 935 of the PRX protein (p.Lys935Thr). This variant is present in population databases (no rsID available, gnomAD 0.0009%). This variant has not been reported in the literature in individuals affected with PRX-related conditions. ClinVar contains an entry for this variant (Variation ID: 940422). Advanced modeling of protein sequence and biophysical properties (such as structural, functional, and spatial information, amino acid conservation, physicochemical variation, residue mobility, and thermodynamic stability) performed at Invitae indicates that this missense variant is not expected to disrupt PRX protein function with a negative predictive value of 80%. In summary, the available evidence is currently insufficient to determine the role of this variant in disease. Therefore, it has been classified as a Variant of Uncertain Significance.

Blueprint Genetics
Classification: Uncertain significance. Last evaluated: 2023-02-27. Review status: criteria provided, single submitter. Criteria: ACMG Guidelines, 2015. Collection method: clinical testing. Allele origin: germline.

CeGaT Center for Human Genetics Tuebingen
Classification: Likely benign. Last evaluated: 2022-11-01. Review status: criteria provided, single submitter. Criteria: CeGaT Center For Human Genetics Tuebingen Variant Classification Criteria Version 2. Collection method: clinical testing. Allele origin: germline. Affected: yes. Observed: 1 variant allele.
Comment: PRX: BP4